The following is an entry in ClinVar:

NM_182961.4(SYNE1):c.25030G>A (p.Asp8344Asn)

Gene: SYNE1 (spectrin repeat containing nuclear envelope protein 1; minus strand). Cytogenetic location: 6q25.2.
Variant type: single nucleotide variant.
Coding change: c.25030G>A on transcript NM_182961.4 (MANE Select); coding-DNA position 25030, G replaced by A.
Protein change: p.Asp8344Asn; replaces aspartic acid 8344 with asparagine.
Molecular consequence: missense variant.
Genome position (GRCh38, 1-based): chr6:152,143,712, C>T on the plus strand (G>A on the coding strand, the complement: SYNE1 is on the minus strand). VCF-style: chr6-152143712-C-T. GRCh37 (hg19) VCF-style: chr6-152464847-C-T.
Other names: c.1636G>A, p.Asp546Asn (NM_001347701.2); c.1564G>A, p.Asp522Asn (NM_001347702.2); c.24886G>A, p.Asp8296Asn (NM_033071.5); short protein forms D8344N, D522N, D546N, D8296N.
Identifiers: ClinVar variation 2174067 (VCV002174067.4), dbSNP rs748706607, ClinGen allele CA4052971.
Genomic context (GRCh38, chr6:152,143,712, plus strand): 5'-GCCCCGTGGGAGTTTTGCTGCGAATGATATTTTCGGTTTGCTGTATCTGAAAACGGCTAT[C>T]ATCCAGGGCTTTGCCCAGTTGTCGGATCTGTGACTCTAGGGCACTGTGGTCCCCTGCGGT-3'
Protein context (NP_892006.3, residues 8334-8354): QIRQLGKALD[Asp8344Asn]SRFQIQQTEN

ClinVar aggregate classification (germline): Uncertain significance. Review status: criteria provided, multiple submitters, no conflicts (2 of 4 stars). 3 submissions from 3 submitters: Uncertain significance (2). 1 of the submissions does not count toward it. Last evaluated 2025-06-11.

Conditions:
Autosomal recessive ataxia, Beauce type. Also called: ATAXIA, RECESSIVE, OF BEAUCE; SYNE1-Related Autosomal Recessive Cerebellar Ataxia; Spinocerebellar ataxia, autosomal recessive 8; SYNE1 Deficiency. Identifiers: Orphanet 88644, MedGen C1853116, MONDO:0012549, OMIM 610743.
Emery-Dreifuss muscular dystrophy 4, autosomal dominant (EDMD4). Also called: EMERY-DREIFUSS MUSCULAR DYSTROPHY 4 WITH VARIABLE FEATURES. Identifiers: Orphanet 261, MedGen C2751807, MONDO:0013071, OMIM 612998.

Allele frequency attached by ClinVar (database versions not stated): gnomAD 0.00001; gnomAD exomes 0.00003; ExAC 0.00007.
gnomAD v4.1: 48 of 1,614,082 alleles (0.003%); highest among the groups gnomAD compares: South Asian, 0.053%; no homozygotes.

Submissions (3):

GeneDx
Classification: Uncertain significance. Last evaluated: 2025-06-11. Review status: criteria provided, single submitter. Criteria: GeneDx Variant Classification Process June 2021. Collection method: clinical testing. Allele origin: germline.
Comment: In silico analysis suggests that this missense variant does not alter protein structure/function; Has not been previously published as pathogenic or benign to our knowledge

Labcorp Genetics (formerly Invitae), Labcorp
Classification: Uncertain significance for Emery-Dreifuss muscular dystrophy 4, autosomal dominant; Autosomal recessive ataxia, Beauce type. Last evaluated: 2022-02-06. Review status: criteria provided, single submitter. Criteria: Invitae Variant Classification Sherloc (09022015). Collection method: clinical testing. Allele origin: germline.
Comment: This sequence change replaces aspartic acid, which is acidic and polar, with asparagine, which is neutral and polar, at codon 8296 of the SYNE1 protein (p.Asp8296Asn). This variant is present in population databases (rs748706607, gnomAD 0.04%). This variant has not been reported in the literature in individuals affected with SYNE1-related conditions. Algorithms developed to predict the effect of missense changes on protein structure and function (SIFT, PolyPhen-2, Align-GVGD) all suggest that this variant is likely to be tolerated. In summary, the available evidence is currently insufficient to determine the role of this variant in disease. Therefore, it has been classified as a Variant of Uncertain Significance.

Hong-Tao Li Lab, Institute of Brain Science and Brain-inspired Research, Shandong First Medical University & Shandong Academy of Medical Sciences China
Classification: Uncertain significance for Autosomal recessive ataxia, Beauce type. Review status: no assertion criteria provided. Collection method: research. Allele origin: germline. Inheritance: Autosomal recessive inheritance. Affected: yes. Observed: 1 variant allele, 1 homozygote. Not counted in ClinVar's aggregate classification.
Comment: Observed in affected individuals from a Pakistani neurodevelopmental-disorder research cohort of 263 individuals. Classification assigned using the ACMG/AMP framework. Population-frequency evidence: gnomAD AF 5.567e-05.